The following is an entry in ClinVar:

ClinVar aggregate classification (germline): Likely benign (0 of 4 stars; one submission).

Conditions:
DCC-related disorder. Also called: DCC-related condition.

Allele frequency attached by ClinVar (database versions not stated): gnomAD exomes 0.00015; gnomAD 0.00018; TOPMed 0.00033; ExAC 0.00058; 1000 Genomes Project 30x 0.00094; 1000 Genomes Project 0.00100.
gnomAD v4.1: 250 of 1,613,694 alleles (0.015%); highest among the groups gnomAD compares: East Asian, 0.51%; 1 homozygote.

Submission:

PreventionGenetics, part of Exact Sciences
Classification: Likely benign for DCC-related condition. Last evaluated: 2020-08-31. Review status: no assertion criteria provided. Collection method: clinical testing. Allele origin: germline.
Comment: This variant is classified as likely benign based on ACMG/AMP sequence variant interpretation guidelines (Richards et al. 2015 PMID: 25741868, with internal and published modifications).

NM_005215.4(DCC):c.8A>G (p.Asn3Ser)

Gene: DCC (DCC netrin 1 receptor; plus strand). Cytogenetic location: 18q21.2.
Variant type: single nucleotide variant.
Coding change: c.8A>G on transcript NM_005215.4 (MANE Select); coding-DNA position 8, A replaced by G.
Protein change: p.Asn3Ser; replaces asparagine 3 with serine.
Molecular consequence: missense variant.
Genome position (GRCh38, 1-based): chr18:52,340,795, A>G. VCF-style: chr18-52340795-A-G. GRCh37 (hg19) VCF-style: chr18-49867165-A-G.
Other names: short protein forms N3S.
Identifiers: ClinVar variation 3059262 (VCV003059262.2), dbSNP rs117282798, ClinGen allele CA8966437.